The following is an entry in ClinVar:

NM_015295.3(SMCHD1):c.1793C>T (p.Thr598Ile)

Gene: SMCHD1 (structural maintenance of chromosomes flexible hinge domain containing 1; plus strand). Cytogenetic location: 18p11.32.
Variant type: single nucleotide variant.
Coding change: c.1793C>T on transcript NM_015295.3 (MANE Select); coding-DNA position 1793, C replaced by T.
Protein change: p.Thr598Ile; replaces threonine 598 with isoleucine.
Molecular consequence: missense variant.
Genome position (GRCh38, 1-based): chr18:2,703,837, C>T. VCF-style: chr18-2703837-C-T. GRCh37 (hg19) VCF-style: chr18-2703835-C-T.
Other names: short protein forms T598I.
Identifiers: ClinVar variation 1977546 (VCV001977546.5), dbSNP rs2074455659, ClinGen allele CA401678572.

ClinVar aggregate classification (germline): Uncertain significance (1 of 4 stars; one submission).

Conditions:
Facioscapulohumeral muscular dystrophy 2 (FSHD2). Also called: MUSCULAR DYSTROPHY, FACIOSCAPULOHUMERAL, TYPE 1B; FACIOSCAPULOHUMERAL MUSCULAR DYSTROPHY 2, DIGENIC; FSHD2, DIGENIC. Identifiers: Orphanet 269, MedGen C1834671, MONDO:0008031, OMIM 158901.

Allele frequency attached by ClinVar (database versions not stated): TOPMed below 0.00001.

Submission:

Labcorp Genetics (formerly Invitae), Labcorp
Classification: Uncertain significance for Facioscapulohumeral muscular dystrophy 2. Last evaluated: 2021-12-24. Review status: criteria provided, single submitter. Criteria: Invitae Variant Classification Sherloc (09022015). Collection method: clinical testing. Allele origin: germline.
Comment: Algorithms developed to predict the effect of missense changes on protein structure and function (SIFT, PolyPhen-2, Align-GVGD) all suggest that this variant is likely to be tolerated. This sequence change replaces threonine, which is neutral and polar, with isoleucine, which is neutral and non-polar, at codon 598 of the SMCHD1 protein (p.Thr598Ile). This variant is not present in population databases (gnomAD no frequency). This variant has not been reported in the literature in individuals affected with SMCHD1-related conditions. In summary, the available evidence is currently insufficient to determine the role of this variant in disease. Therefore, it has been classified as a Variant of Uncertain Significance.